The following is an entry in ClinVar:

ClinVar aggregate classification (germline): Uncertain significance (1 of 4 stars; one submission).

Submission:

Labcorp Genetics (formerly Invitae), Labcorp
Classification: Uncertain significance. Last evaluated: 2022-03-23. Review status: criteria provided, single submitter. Criteria: Invitae Variant Classification Sherloc (09022015). Collection method: clinical testing. Allele origin: germline.
Comment: In summary, the available evidence is currently insufficient to determine the role of this variant in disease. Therefore, it has been classified as a Variant of Uncertain Significance. Experimental studies and prediction algorithms are not available or were not evaluated, and the functional significance of this variant is currently unknown. This variant has not been reported in the literature in individuals affected with PCNT-related conditions. This variant is not present in population databases (gnomAD no frequency). This variant, c.6383_6384insGTGTGATGCCAATACAGCCACGGGGGGTGTAACTGATGTTATCAAAAATCAGGCCATAGACGC, results in the insertion of 21 amino acid(s) of the PCNT protein (p.Ala2134_Thr2154dup), but otherwise preserves the integrity of the reading frame.

NM_006031.6(PCNT):c.6383_6384insGTGTGATGCCAATACAGCCACGGGGGGTGTAACTGATGTTATCAAAAATCAGGCCATAGACGC (p.Thr2154_Thr2155insAlaThrGlyGlyValThrAspValIleLysAsnGlnAlaIleAspAlaCysAspAlaAsnThr)

Gene: PCNT (pericentrin; plus strand). Cytogenetic location: 21q22.3.
Variant type: Insertion.
Coding change: c.6383_6384insGTGTGATGCCAATACAGCCACGGGGGGTGTAACTGATGTTATCAAAAATCAGGCCATAGACGC on transcript NM_006031.6 (MANE Select); coding-DNA positions 6383 to 6384, GTGTGATGCCAATACAGCCACGGGGGGTGTAACTGATGTTATCAAAAATCAGGCCATAGACGC inserted.
Protein change: p.Thr2154_Thr2155insAlaThrGlyGlyValThrAspValIleLysAsnGlnAlaIleAspAlaCysAspAlaAsnThr.
Molecular consequence: inframe insertion.
Genome position: GRCh38: chr21:46,416,301-46,416,302. GRCh37 (hg19): chr21:47,836,215-47,836,216.
Other names: c.6029_6030insGTGTGATGCCAATACAGCCACGGGGGGTGTAACTGATGTTATCAAAAATCAGGCCATAGACGC, p.Thr2036_Thr2037insAlaThrGlyGlyValThrAspValIleLysAsnGlnAlaIleAspAlaCysAspAlaAsnThr (NM_001315529.2).
Identifiers: ClinVar variation 1936600 (VCV001936600.3), dbSNP rs2518829056, ClinGen allele CA2580099051.